The following is an entry in ClinVar:

NM_001102564.3(IFT43):c.296-5645C>T

Gene: IFT43 (intraflagellar transport 43; plus strand). Cytogenetic location: 14q24.3.
Variant type: single nucleotide variant.
Coding change: c.296-5645C>T on transcript NM_001102564.3 (MANE Select); 5645 bases into the intron before coding-DNA position 296, C replaced by T.
Molecular consequence: intron variant. On other transcripts: missense variant (1).
Genome position (GRCh38, 1-based): chr14:76,076,650, C>T. VCF-style: chr14-76076650-C-T. GRCh37 (hg19) VCF-style: chr14-76542993-C-T.
Other names: c.269C>T, p.Thr90Met (NM_052873.3); short protein forms T90M.
Identifiers: ClinVar variation 387708 (VCV000387708.11), dbSNP rs375132671, ClinGen allele CA7280796.

ClinVar aggregate classification (germline): Conflicting classifications of pathogenicity. Review status: criteria provided, conflicting classifications (1 of 4 stars). 4 submissions from 4 submitters: Uncertain significance (2); Likely benign (2). Last evaluated 2024-07-23.

Allele frequency attached by ClinVar (database versions not stated): gnomAD exomes 0.00003 and 0.00004; gnomAD 0.00005 and 0.00006; TOPMed 0.00005; ExAC 0.00006; ESP Exome Variant Server 0.00008.
gnomAD v4.1: 59 of 1,614,052 alleles (0.0037%); highest among the groups gnomAD compares: Middle Eastern, 0.016%; no homozygotes.

Submissions (4):

Blueprint Genetics
Classification: Likely benign. Last evaluated: 2024-07-23. Review status: criteria provided, single submitter. Criteria: ACMG Guidelines, 2015. Collection method: clinical testing. Allele origin: germline.

Labcorp Genetics (formerly Invitae), Labcorp
Classification: Uncertain significance. Last evaluated: 2022-09-07. Review status: criteria provided, single submitter. Criteria: Invitae Variant Classification Sherloc (09022015). Collection method: clinical testing. Allele origin: germline.
Comment: This sequence change replaces threonine, which is neutral and polar, with methionine, which is neutral and non-polar, at codon 90 of the IFT43 protein (p.Thr90Met). This variant is present in population databases (rs375132671, gnomAD 0.009%). This variant has not been reported in the literature in individuals affected with IFT43-related conditions. ClinVar contains an entry for this variant (Variation ID: 387708). Algorithms developed to predict the effect of missense changes on protein structure and function (SIFT, PolyPhen-2, Align-GVGD) all suggest that this variant is likely to be tolerated. In summary, the available evidence is currently insufficient to determine the role of this variant in disease. Therefore, it has been classified as a Variant of Uncertain Significance.

Ambry Genetics
Classification: Likely benign. Last evaluated: 2021-08-12. Review status: criteria provided, single submitter. Criteria: Ambry Variant Classification Scheme 2023. Collection method: clinical testing. Allele origin: germline.

GeneDx
Classification: Uncertain significance. Last evaluated: 2019-09-26. Review status: criteria provided, single submitter. Criteria: GeneDx Variant Classification Process June 2021. Collection method: clinical testing. Allele origin: germline. Affected: yes.
Comment: In silico analysis, which includes protein predictors and evolutionary conservation, supports that this variant does not alter protein structure/function; Has not been previously published as pathogenic or benign to our knowledge